The following is an entry in ClinVar:

ClinVar aggregate classification (germline): Benign/Likely benign. Review status: criteria provided, multiple submitters, no conflicts (2 of 4 stars). 4 submissions from 4 submitters: Benign (1); Likely benign (3). Last evaluated 2025-04-14.

Conditions:
Hereditary cancer-predisposing syndrome. Also called: Tumor predisposition; Hereditary neoplastic syndrome; Hereditary Cancer Syndrome; Neoplastic Syndromes, Hereditary. Identifiers: Orphanet 140162, MedGen C0027672, MeSH D009386, MONDO:0015356.
Lynch syndrome 5 (LYNCH5). Also called: Hereditary non-polyposis colorectal cancer, type 5; Colorectal cancer, hereditary nonpolyposis, type 5. Identifiers: Orphanet 144, MedGen C1833477, MONDO:0013710, OMIM 614350. Disease mechanism: loss of function.
Hereditary nonpolyposis colorectal neoplasms. Identifiers: MedGen C0009405, MeSH D003123.

gnomAD v4.1: 1 of 1,614,160 alleles (0.000062%); highest among the groups gnomAD compares: Non-Finnish European, 0.000085%; no homozygotes.

Submissions (4):

Ambry Genetics
Classification: Likely benign for Hereditary cancer-predisposing syndrome. Last evaluated: 2025-04-14. Review status: criteria provided, single submitter. Criteria: Ambry Variant Classification Scheme 2023. Collection method: clinical testing. Allele origin: germline.

Myriad Genetics, Inc.
Classification: Benign for Lynch syndrome 5. Last evaluated: 2024-12-27. Review status: criteria provided, single submitter. Criteria: Myriad Autosomal Dominant, Autosomal Recessive and X-Linked Classification Criteria (2023). Collection method: clinical testing. Allele origin: unknown.
Comment: This variant is considered benign. This variant is a silent/synonymous amino acid change and it is not expected to impact splicing.

Labcorp Genetics (formerly Invitae), Labcorp
Classification: Likely benign for Hereditary nonpolyposis colorectal neoplasms. Last evaluated: 2023-09-22. Review status: criteria provided, single submitter. Criteria: Invitae Variant Classification Sherloc (09022015). Collection method: clinical testing. Allele origin: germline.

Color Diagnostics, LLC DBA Color Health
Classification: Likely benign for Hereditary cancer-predisposing syndrome. Last evaluated: 2020-06-22. Review status: criteria provided, single submitter. Criteria: ACMG Guidelines, 2015. Collection method: clinical testing. Allele origin: germline.

NM_000179.3(MSH6):c.1599G>A (p.Glu533=)

Gene: MSH6 (mutS homolog 6; plus strand). Cytogenetic location: 2p16.3.
Variant type: single nucleotide variant.
Coding change: c.1599G>A on transcript NM_000179.3 (MANE Select); coding-DNA position 1599, G replaced by A.
Protein change: p.Glu533=; no amino-acid change (glutamic acid 533 retained).
Molecular consequence: synonymous variant.
Genome position (GRCh38, 1-based): chr2:47,799,582, G>A. VCF-style: chr2-47799582-G-A. GRCh37 (hg19) VCF-style: chr2-48026721-G-A.
Other names: c.1209G>A, p.Glu403= (NM_001281492.2); c.693G>A, p.Glu231= (NM_001281493.2, NM_001281494.2).
Identifiers: ClinVar variation 1172156 (VCV001172156.7), dbSNP rs373726731, ClinGen allele CA426121399.